The following is an entry in ClinVar:

ClinVar aggregate classification (germline): Uncertain significance. Review status: criteria provided, multiple submitters, no conflicts (2 of 4 stars). 2 submissions from 2 submitters: Uncertain significance (2). Last evaluated 2025-03-17.

Conditions:
Inborn genetic diseases. Identifiers: MedGen C0950123, MeSH D030342.

Allele frequency attached by ClinVar (database versions not stated): gnomAD exomes below 0.00001.
gnomAD v4.1: 1 of 1,557,224 alleles (0.000064%); highest among the groups gnomAD compares: Non-Finnish European, 0.000087%; no homozygotes.

Submissions (2):

Labcorp Genetics (formerly Invitae), Labcorp
Classification: Uncertain significance. Last evaluated: 2025-03-17. Review status: criteria provided, single submitter. Criteria: Invitae Variant Classification Sherloc (09022015). Collection method: clinical testing. Allele origin: germline.
Comment: This sequence change replaces proline, which is neutral and non-polar, with serine, which is neutral and polar, at codon 44 of the MRAS protein (p.Pro44Ser). This variant is not present in population databases (gnomAD no frequency). This variant has not been reported in the literature in individuals affected with MRAS-related conditions. ClinVar contains an entry for this variant (Variation ID: 3226218). An algorithm developed to predict the effect of missense changes on protein structure and function (PolyPhen-2) suggests that this variant is likely to be disruptive. In summary, the available evidence is currently insufficient to determine the role of this variant in disease. Therefore, it has been classified as a Variant of Uncertain Significance.

Ambry Genetics
Classification: Uncertain significance for Inborn genetic diseases. Last evaluated: 2023-11-06. Review status: criteria provided, single submitter. Criteria: Ambry Variant Classification Scheme 2023. Collection method: clinical testing. Allele origin: germline.
Comment: The p.P44S variant (also known as c.130C>T), located in coding exon 1 of the MRAS gene, results from a C to T substitution at nucleotide position 130. The proline at codon 44 is replaced by serine, an amino acid with similar properties. This amino acid position is conserved. In addition, this alteration is predicted to be deleterious by in silico analysis. Since supporting evidence is limited at this time, the clinical significance of this alteration remains unclear.

NM_001085049.3(MRAS):c.130C>T (p.Pro44Ser)

Gene: MRAS (muscle RAS oncogene homolog; plus strand). Cytogenetic location: 3q22.3.
Variant type: single nucleotide variant.
Coding change: c.130C>T on transcript NM_001085049.3 (MANE Select); coding-DNA position 130, C replaced by T.
Protein change: p.Pro44Ser; replaces proline 44 with serine.
Molecular consequence: missense variant. On other transcripts: intron variant (3).
Genome position (GRCh38, 1-based): chr3:138,373,013, C>T. VCF-style: chr3-138373013-C-T. GRCh37 (hg19) VCF-style: chr3-138091855-C-T.
Other names: c.130C>T, p.Pro44Ser (NM_001252090.2, NM_012219.4); c.-35-24311C>T (NM_001252091.1); c.-36+24246C>T (NM_001252093.2); c.-36+23981C>T (NM_001252092.2); short protein forms P44S.
Identifiers: ClinVar variation 3226218 (VCV003226218.2), dbSNP rs2474072512, ClinGen allele CA354672261.